The following is an entry in ClinVar:

NM_003982.4(SLC7A7):c.1028_1031dup (p.Pro345fs)

Gene: SLC7A7 (solute carrier family 7 member 7; minus strand). Cytogenetic location: 14q11.2.
Variant type: Duplication.
Coding change: c.1028_1031dup on transcript NM_003982.4 (MANE Select); coding-DNA positions 1028 to 1031, 4 bases duplicated (ATCT; older notation c.1028_1031dupATCT).
Protein change: p.Pro345fs; shifts the reading frame from proline 345.
Molecular consequence: frameshift variant.
Genome position (GRCh38, 1-based): chr14:22,775,508-22,775,511, AGAT duplicated on the plus strand (ATCT on the coding strand, the reverse complement: SLC7A7 is on the minus strand). VCF-style (leftmost placement, unchanged base first): chr14-22775507-G-GAGAT. GRCh37 (hg19) VCF-style: chr14-23244716-G-GAGAT.
Other names: c.1028_1031dup, p.Pro345fs (NM_001126105.3, NM_001126106.4); short protein forms P345fs.
Identifiers: ClinVar variation 2009233 (VCV002009233.4), dbSNP rs2501842149, ClinGen allele CA2580087853.

ClinVar aggregate classification (germline): Pathogenic (1 of 4 stars; one submission).

Conditions:
Lysinuric protein intolerance (LPI). Identifiers: Orphanet 470, MedGen C0268647, MONDO:0009109, OMIM 222700.

Submission:

Labcorp Genetics (formerly Invitae), Labcorp
Classification: Pathogenic for Lysinuric protein intolerance. Last evaluated: 2023-09-21. Review status: criteria provided, single submitter. Criteria: Invitae Variant Classification Sherloc (09022015). Collection method: clinical testing. Allele origin: germline.
Comment: ClinVar contains an entry for this variant (Variation ID: 2009233). This variant has not been reported in the literature in individuals affected with SLC7A7-related conditions. This variant is not present in population databases (gnomAD no frequency). This sequence change creates a premature translational stop signal (p.Pro345Serfs*3) in the SLC7A7 gene. It is expected to result in an absent or disrupted protein product. Loss-of-function variants in SLC7A7 are known to be pathogenic (PMID: 10631139, 17764084). For these reasons, this variant has been classified as Pathogenic.

Literature cited by the submitters: PubMed 10631139; PubMed 17764084.